The following is an entry in ClinVar:

ClinVar aggregate classification (germline): Uncertain significance. Review status: criteria provided, multiple submitters, no conflicts (2 of 4 stars). 2 submissions from 2 submitters: Uncertain significance (2). Last evaluated 2023-11-07.

Conditions:
Neonatal-onset encephalopathy with rigidity and seizures. Also called: Lethal neonatal spasticity-epileptic encephalopathy syndrome. Identifiers: Orphanet 435845, MedGen C3281029, MONDO:0013784, OMIM 614498.

Allele frequency attached by ClinVar (database versions not stated): ExAC 0.00012; gnomAD exomes 0.00008; TOPMed 0.00011.

Submissions (2):

Revvity Omics, Revvity
Classification: Uncertain significance. Last evaluated: 2023-11-07. Review status: criteria provided, single submitter. Criteria: ACMG Guidelines, 2015. Collection method: clinical testing. Allele origin: germline.

Labcorp Genetics (formerly Invitae), Labcorp
Classification: Uncertain significance for Neonatal-onset encephalopathy with rigidity and seizures. Last evaluated: 2022-07-26. Review status: criteria provided, single submitter. Criteria: Invitae Variant Classification Sherloc (09022015). Collection method: clinical testing. Allele origin: germline.
Comment: This sequence change replaces serine, which is neutral and polar, with asparagine, which is neutral and polar, at codon 459 of the BRAT1 protein (p.Ser459Asn). This variant is present in population databases (rs765815699, gnomAD 0.04%). This variant has not been reported in the literature in individuals affected with BRAT1-related conditions. ClinVar contains an entry for this variant (Variation ID: 641527). Algorithms developed to predict the effect of missense changes on protein structure and function (SIFT, PolyPhen-2, Align-GVGD) all suggest that this variant is likely to be tolerated. In summary, the available evidence is currently insufficient to determine the role of this variant in disease. Therefore, it has been classified as a Variant of Uncertain Significance.

NM_152743.4(BRAT1):c.1376G>A (p.Ser459Asn)

Gene: BRAT1 (BRCA1 associated ATM activator 1; minus strand). Cytogenetic location: 7p22.3.
Variant type: single nucleotide variant.
Coding change: c.1376G>A on transcript NM_152743.4 (MANE Select); coding-DNA position 1376, G replaced by A.
Protein change: p.Ser459Asn; replaces serine 459 with asparagine.
Molecular consequence: missense variant. On other transcripts: non-coding transcript variant (1).
Genome position (GRCh38, 1-based): chr7:2,540,998, C>T on the plus strand (G>A on the coding strand, the complement: BRAT1 is on the minus strand). VCF-style: chr7-2540998-C-T. GRCh37 (hg19) VCF-style: chr7-2580632-C-T.
Other names: c.1376G>A, p.Ser459Asn (NM_001350626.2); c.851G>A, p.Ser284Asn (NM_001350627.2); short protein forms S459N, S284N.
Identifiers: ClinVar variation 641527 (VCV000641527.9), dbSNP rs765815699, ClinGen allele CA4127787.
Genomic context (GRCh38, chr7:2,540,998, plus strand): 5'-TGCCTCCCTCCTCTCCTCGCTCTCTATCCCCACCACCGTACCGTGGGGCTGGAGCCGGGG[C>T]TCTCGAGGCACTCCAGGAGGACAGCAAGCGCCTGCGTCACCAGCTCCTGGGGGCCTGAGA-3'
Protein context (NP_689956.2, residues 449-469): ALAVLLECLE[Ser459Asn]PGSSPTVLKK